The following is an entry in ClinVar:

NM_001457.4(FLNB):c.5454C>A (p.Tyr1818Ter)

Gene: FLNB (filamin B; plus strand). Cytogenetic location: 3p14.3.
Variant type: single nucleotide variant.
Coding change: c.5454C>A on transcript NM_001457.4 (MANE Select); coding-DNA position 5454, C replaced by A.
Protein change: p.Tyr1818Ter; replaces tyrosine 1818 with a stop codon.
Molecular consequence: nonsense.
Genome position (GRCh38, 1-based): chr3:58,145,949, C>A. VCF-style: chr3-58145949-C-A. GRCh37 (hg19) VCF-style: chr3-58131676-C-A.
Other names: c.5547C>A, p.Tyr1849Ter (NM_001164317.2); c.5421C>A, p.Tyr1807Ter (NM_001164318.2); c.5382C>A, p.Tyr1794Ter (NM_001164319.2); short protein forms Y1818*, Y1849*, Y1794*, Y1807*.
Identifiers: ClinVar variation 424103 (VCV000424103.2), dbSNP rs1064796797, ClinGen allele CA16618006.

ClinVar aggregate classification (germline): Likely pathogenic (1 of 4 stars; one submission).

gnomAD v4.1: 41 of 1,614,196 alleles (0.0025%); highest among the groups gnomAD compares: Non-Finnish European, 0.0033%; no homozygotes.

Submission:

GeneDx
Classification: Likely pathogenic. Last evaluated: 2017-03-08. Review status: criteria provided, single submitter. Criteria: GeneDx Variant Classification (06012015). Collection method: clinical testing. Allele origin: germline. Affected: yes.
Comment: The Y1818X variant in the FLNB gene has not been reported previously as a pathogenic variant nor as a benign variant, to our knowledge. This variant is predicted to cause loss of normal protein function either through protein truncation or nonsense-mediated mRNA decay. The Y1818X variant is not observed in large population cohorts (Lek et al., 2016; 1000 Genomes Consortium et al., 2015; Exome Variant Server). The Y1818X variant is a strong candidate for a pathogenic variant, however, the possibility it may be a rare benign variant cannot be excluded.